The following is an entry in ClinVar:

NM_015910.7(WDPCP):c.917dup (p.Ser307fs)

Gene: WDPCP (WD repeat containing planar cell polarity effector; minus strand). Cytogenetic location: 2p15.
Variant type: Duplication.
Coding change: c.917dup on transcript NM_015910.7 (MANE Select); coding-DNA position 917, one base duplicated (T; older notation c.917dupT).
Protein change: p.Ser307fs; shifts the reading frame from serine 307.
Molecular consequence: frameshift variant. On other transcripts: non-coding transcript variant (3).
Genome position (GRCh38, 1-based): chr2:63,404,566, A duplicated on the plus strand (T on the coding strand, the reverse complement: WDPCP is on the minus strand). VCF-style (leftmost placement, unchanged base first): chr2-63404565-T-TA. GRCh37 (hg19) VCF-style: chr2-63631700-T-TA.
Other names: c.440dup, p.Ser148fs (NM_001042692.3); c.845dup, p.Ser283fs (NM_001354044.2); c.917dup, p.Ser307fs (NM_001354045.2); c.917dup (NM_015910.5); short protein forms S307fs, S148fs, S283fs.
Identifiers: ClinVar variation 3586825 (VCV003586825.2).

ClinVar aggregate classification (germline): Pathogenic/Likely pathogenic. Review status: criteria provided, multiple submitters, no conflicts (2 of 4 stars). 2 submissions from 2 submitters: Pathogenic (1); Likely pathogenic (1). Last evaluated 2026-04-24.

Conditions:
Heart defect - tongue hamartoma - polysyndactyly syndrome. Also called: Congenital heart defects, hamartomas of tongue, and polysyndactyly. Identifiers: Orphanet 1338, MedGen C1857587, MONDO:0009008, OMIM 217085.
Bardet-Biedl syndrome 15 (BBS15). Identifiers: Orphanet 110, MedGen C3150127, MONDO:0014443, OMIM 615992.

Submissions (2):

GeneDx
Classification: Pathogenic. Last evaluated: 2026-04-24. Review status: criteria provided, single submitter. Criteria: GeneDx Variant Classification Process June 2021. Collection method: clinical testing. Allele origin: germline.
Comment: Frameshift variant predicted to result in protein truncation or nonsense mediated decay in a gene for which loss of function is a known mechanism of disease; Has not been previously published as pathogenic or benign to our knowledge; This variant is associated with the following publications: (PMID: 31964843)

Fulgent Genetics
Classification: Likely pathogenic for Heart defect - tongue hamartoma - polysyndactyly syndrome; Bardet-Biedl syndrome 15. Last evaluated: 2024-04-30. Review status: criteria provided, single submitter. Criteria: ACMG Guidelines, 2015. Collection method: clinical testing. Allele origin: germline.